The following is an entry in ClinVar:

ClinVar aggregate classification (germline): Likely benign (0 of 4 stars; one submission).

Conditions:
FBXL8-related disorder. Also called: FBXL8-related condition.

Allele frequency attached by ClinVar (database versions not stated): 1000 Genomes Project 30x 0.00078; ExAC 0.00009; 1000 Genomes Project 0.00020.
gnomAD v4.1: 89 of 802,896 alleles (0.011%); highest among the groups gnomAD compares: East Asian, 0.2%; no homozygotes.

Submission:

PreventionGenetics, part of Exact Sciences
Classification: Likely benign for FBXL8-related condition. Last evaluated: 2019-04-09. Review status: no assertion criteria provided. Collection method: clinical testing. Allele origin: germline.
Comment: This variant is classified as likely benign based on ACMG/AMP sequence variant interpretation guidelines (Richards et al. 2015 PMID: 25741868, with internal and published modifications).

NM_018378.3(FBXL8):c.*191C>G

Genes: FBXL8 (F-box and leucine rich repeat protein 8; plus strand), HSF4 (heat shock transcription factor 4; plus strand). Cytogenetic location: 16q22.1.
Variant type: single nucleotide variant.
Coding change: c.*191C>G on transcript NM_018378.3 (MANE Select); 191 bases downstream of the stop codon, C replaced by G.
Molecular consequence: 3 prime UTR variant. On other transcripts: intron variant (2).
Genome position (GRCh38, 1-based): chr16:67,164,011, C>G. VCF-style: chr16-67164011-C-G. GRCh37 (hg19) VCF-style: chr16-67197914-C-G.
Other names: c.-497-8C>G (NM_001538.4, NM_001040667.3).
Identifiers: ClinVar variation 3047298 (VCV003047298.2), dbSNP rs573984716, ClinGen allele CA8101635.
Genomic context (GRCh38, chr16:67,164,011, plus strand): 5'-GGAACTGTGATGGCATCGGGACCAGTCCTGGGCGCCCTGAGACCACTCGCTGCTCTCACC[C>G]TCTGCAGACGCCCCACCCGCTCGGTCCTGGACACACTGCCCCCCTCTCTTGCCTCCACCC-3'